The following is an entry in ClinVar:

NM_001297.5(CNGB1):c.1633A>G (p.Lys545Glu)

Gene: CNGB1 (cyclic nucleotide gated channel subunit beta 1; minus strand). Cytogenetic location: 16q21.
Variant type: single nucleotide variant.
Coding change: c.1633A>G on transcript NM_001297.5 (MANE Select); coding-DNA position 1633, A replaced by G.
Protein change: p.Lys545Glu; replaces lysine 545 with glutamic acid.
Molecular consequence: missense variant.
Genome position (GRCh38, 1-based): chr16:57,923,283, T>C on the plus strand (A>G on the coding strand, the complement: CNGB1 is on the minus strand). VCF-style: chr16-57923283-T-C. GRCh37 (hg19) VCF-style: chr16-57957187-T-C.
Other names: c.1615A>G, p.Lys539Glu (NM_001286130.2); c.1633A>G (NM_001297.4); short protein forms K539E, K545E.
Identifiers: ClinVar variation 1402813 (VCV001402813.7), dbSNP rs777037205, ClinGen allele CA8083375.

ClinVar aggregate classification (germline): Uncertain significance. Review status: criteria provided, multiple submitters, no conflicts (2 of 4 stars). 2 submissions from 2 submitters: Uncertain significance (2). Last evaluated 2025-04-25.

Conditions:
Inborn genetic diseases. Identifiers: MedGen C0950123, MeSH D030342.

Submissions (2):

Ambry Genetics
Classification: Uncertain significance for Inborn genetic diseases. Last evaluated: 2025-04-25. Review status: criteria provided, single submitter. Criteria: Ambry Variant Classification Scheme 2023. Collection method: clinical testing. Allele origin: germline.

Labcorp Genetics (formerly Invitae), Labcorp
Classification: Uncertain significance. Last evaluated: 2021-09-21. Review status: criteria provided, single submitter. Criteria: Invitae Variant Classification Sherloc (09022015). Collection method: clinical testing. Allele origin: germline.
Comment: This sequence change replaces lysine with glutamic acid at codon 545 of the CNGB1 protein (p.Lys545Glu). The lysine residue is weakly conserved and there is a small physicochemical difference between lysine and glutamic acid. This variant is present in population databases (rs777037205, ExAC 0.009%). In summary, the available evidence is currently insufficient to determine the role of this variant in disease. Therefore, it has been classified as a Variant of Uncertain Significance. Advanced modeling of protein sequence and biophysical properties (such as structural, functional, and spatial information, amino acid conservation, physicochemical variation, residue mobility, and thermodynamic stability) performed at Invitae indicates that this missense variant is not expected to disrupt CNGB1 protein function. This variant has not been reported in the literature in individuals affected with CNGB1-related conditions.